The following is an entry in ClinVar:

NM_001204.7(BMPR2):c.1921C>G (p.His641Asp)

Gene: BMPR2 (bone morphogenetic protein receptor type 2; plus strand). Cytogenetic location: 2q33.2.
Variant type: single nucleotide variant.
Coding change: c.1921C>G on transcript NM_001204.7 (MANE Select); coding-DNA position 1921, C replaced by G.
Protein change: p.His641Asp; replaces histidine 641 with aspartic acid.
Molecular consequence: missense variant.
Genome position (GRCh38, 1-based): chr2:202,555,586, C>G. VCF-style: chr2-202555586-C-G. GRCh37 (hg19) VCF-style: chr2-203420309-C-G.
Other names: short protein forms H641D.
Identifiers: ClinVar variation 4843377 (VCV004843377.1).
Genomic context (GRCh38, chr2:202,555,586, plus strand): 5'-ACGCCAAGTACTGGCATGACTACTATATCTGAGATGCCATACCCAGATGAAACAAATCTG[C>G]ATACCACAAATGTTGCACAGTCAATTGGGCCAACCCCTGTCTGCTTACAGCTGACAGAAG-3'
Protein context (NP_001195.2, residues 631-651): EMPYPDETNL[His641Asp]TTNVAQSIGP

ClinVar aggregate classification (germline): Uncertain significance (1 of 4 stars; one submission).

Conditions:
Inborn genetic diseases. Identifiers: MedGen C0950123, MeSH D030342.

Submission:

Ambry Genetics
Classification: Uncertain significance for Inborn genetic diseases. Last evaluated: 2026-01-06. Review status: criteria provided, single submitter. Criteria: Ambry Variant Classification Scheme 2023. Collection method: clinical testing. Allele origin: germline.
Comment: The p.H641D variant (also known as c.1921C>G), located in coding exon 12 of the BMPR2 gene, results from a C to G substitution at nucleotide position 1921. The histidine at codon 641 is replaced by aspartic acid, an amino acid with similar properties. This amino acid position is conserved. In addition, the in silico prediction for this alteration is inconclusive. Based on the available evidence, the clinical significance of this variant remains unclear.